The following is an entry in ClinVar:

NM_017849.4(TMEM127):c.379del (p.Arg127fs)

Gene: TMEM127 (transmembrane protein 127; minus strand). Cytogenetic location: 2q11.2.
Variant type: Deletion.
Coding change: c.379del on transcript NM_017849.4 (MANE Select); coding-DNA position 379, one base deleted (C; older notation c.379delC).
Protein change: p.Arg127fs; shifts the reading frame from arginine 127.
Molecular consequence: frameshift variant.
Genome position (GRCh38, 1-based): chr2:96,254,863, G deleted on the plus strand (C on the coding strand, the reverse complement: TMEM127 is on the minus strand). VCF-style (leftmost placement, unchanged base first): chr2-96254862-CG-C. GRCh37 (hg19) VCF-style: chr2-96920600-CG-C.
Other names: c.379del, p.Arg127fs (NM_001193304.3); c.127delC, p.Arg43Valfs (NM_001407282.1, NM_001407283.1); short protein forms R127fs.
Identifiers: ClinVar variation 2096030 (VCV002096030.4), dbSNP rs2467266184, ClinGen allele CA2580068329.
Genomic context (GRCh38, chr2:96,254,862, plus strand): 5'-CTCTCCCACTGTGAGCAGGCTCACGGCTTACCCGTTAGGATATGGGCGAAGGCATAGCGA[CG>C]AGTGATCTTCAGAGCAGGATGCTTCGGCCCAAAGACATCCAGAAGGAAAGCGGAGAGACT-3'

ClinVar aggregate classification (germline): Pathogenic (1 of 4 stars; one submission).

Conditions:
Hereditary pheochromocytoma and paraganglioma. Also called: Hereditary paragangliomas and pheochromocytomas; Hereditary Paraganglioma-Pheochromocytoma Syndromes; Hereditary pheochromocytoma-paraganglioma. Identifiers: Orphanet 29072, MedGen C4274332, MONDO:0017366.

Submission:

Labcorp Genetics (formerly Invitae), Labcorp
Classification: Pathogenic for Hereditary pheochromocytoma and paraganglioma. Last evaluated: 2022-02-10. Review status: criteria provided, single submitter. Criteria: Invitae Variant Classification Sherloc (09022015). Collection method: clinical testing. Allele origin: germline.
Comment: For these reasons, this variant has been classified as Pathogenic. This variant disrupts a region of the TMEM127 protein in which other variant(s) (p.Tyr178Leufs*48) have been determined to be pathogenic (PMID: 28384794, 28855235). This suggests that this is a clinically significant region of the protein, and that variants that disrupt it are likely to be disease-causing. This variant has not been reported in the literature in individuals affected with TMEM127-related conditions. This variant is not present in population databases (gnomAD no frequency). This sequence change creates a premature translational stop signal (p.Arg127Valfs*9) in the TMEM127 gene. While this is not anticipated to result in nonsense mediated decay, it is expected to disrupt the last 112 amino acid(s) of the TMEM127 protein.

Literature cited by the submitters: PubMed 28384794; PubMed 28855235.